The following is an entry in ClinVar:

NM_002185.5(IL7R):c.1274T>C (p.Ile425Thr)

Gene: IL7R (interleukin 7 receptor; plus strand). Cytogenetic location: 5p13.2.
Variant type: single nucleotide variant.
Coding change: c.1274T>C on transcript NM_002185.5 (MANE Select); coding-DNA position 1274, T replaced by C.
Protein change: p.Ile425Thr; replaces isoleucine 425 with threonine.
Molecular consequence: missense variant. On other transcripts: non-coding transcript variant (1).
Genome position (GRCh38, 1-based): chr5:35,876,380, T>C. VCF-style: chr5-35876380-T-C. GRCh37 (hg19) VCF-style: chr5-35876482-T-C.
Other names: short protein forms I425T.
Identifiers: ClinVar variation 1448910 (VCV001448910.10), dbSNP rs1177291745, ClinGen allele CA359433851.
Genomic context (GRCh38, chr5:35,876,380, plus strand): 5'-TGCTTAGCCTTGGGACTACAAACAGCACGCTGCCCCCTCCATTTTCTCTCCAATCTGGAA[T>C]CCTGACATTGAACCCAGTTGCTCAGGGTCAGCCCATTCTTACTTCCCTGGGATCAAATCA-3'
Protein context (NP_002176.2, residues 415-435): LPPPFSLQSG[Ile425Thr]LTLNPVAQGQ

ClinVar aggregate classification (germline): Conflicting classifications of pathogenicity. Review status: criteria provided, conflicting classifications (1 of 4 stars). 3 submissions from 3 submitters: Uncertain significance (2); Likely benign (1). Last evaluated 2026-03-01.

Conditions:
Immunodeficiency 104. Also called: Severe Combined Immune Deficiency, Autosomal Recessive, TCell -Negative, B Cell-Positive, NK Cell-Positive, IL7R-Related; Severe combined immunodeficiency, autosomal recessive, T cell-negative, B cell-positive, NK cell-positive; IMMUNODEFICIENCY 104, SEVERE COMBINED; SCID, AUTOSOMAL RECESSIVE, T CELL-NEGATIVE, B CELL-POSITIVE, NK CELL-POSITIVE. Identifiers: MedGen C5676890, MONDO:0012163, OMIM 608971.

Allele frequency attached by ClinVar (database versions not stated): gnomAD exomes below 0.00001 and 0.00001; gnomAD 0.00001; TOPMed 0.00001.
gnomAD v4.1: 14 of 1,613,640 alleles (0.00087%); highest among the groups gnomAD compares: African/African-American, 0.012%; 1 homozygote.

Submissions (3):

CeGaT Center for Human Genetics Tuebingen
Classification: Likely benign. Last evaluated: 2026-03-01. Review status: criteria provided, single submitter. Criteria: CeGaT Center For Human Genetics Tuebingen Variant Classification Criteria Version 2. Collection method: clinical testing. Allele origin: germline. Affected: yes. Observed: 1 variant allele.
Comment: IL7R: BP4

Labcorp Genetics (formerly Invitae), Labcorp
Classification: Uncertain significance for Immunodeficiency 104. Last evaluated: 2022-07-11. Review status: criteria provided, single submitter. Criteria: Invitae Variant Classification Sherloc (09022015). Collection method: clinical testing. Allele origin: germline.
Comment: This sequence change replaces isoleucine, which is neutral and non-polar, with threonine, which is neutral and polar, at codon 425 of the IL7R protein (p.Ile425Thr). This variant is present in population databases (no rsID available, gnomAD no frequency). This variant has not been reported in the literature in individuals affected with IL7R-related conditions. ClinVar contains an entry for this variant (Variation ID: 1448910). Algorithms developed to predict the effect of missense changes on protein structure and function output the following: SIFT: "Tolerated"; PolyPhen-2: "Benign"; Align-GVGD: "Class C0". The threonine amino acid residue is found in multiple mammalian species, which suggests that this missense change does not adversely affect protein function. In summary, the available evidence is currently insufficient to determine the role of this variant in disease. Therefore, it has been classified as a Variant of Uncertain Significance.

Breakthrough Genomics
Classification: Uncertain significance. Review status: criteria provided, single submitter. Criteria: ACMG Guidelines, 2015. Collection method: not provided. Allele origin: germline. Inheritance: Autosomal recessive inheritance. Affected: yes.